The following is an entry in ClinVar:

NM_024589.3(ROGDI):c.197G>A (p.Cys66Tyr)

Gene: ROGDI (rogdi atypical leucine zipper; minus strand). Cytogenetic location: 16p13.3.
Variant type: single nucleotide variant.
Coding change: c.197G>A on transcript NM_024589.3 (MANE Select); coding-DNA position 197, G replaced by A.
Protein change: p.Cys66Tyr; replaces cysteine 66 with tyrosine.
Molecular consequence: missense variant. On other transcripts: non-coding transcript variant (1).
Genome position (GRCh38, 1-based): chr16:4,801,506, C>T on the plus strand (G>A on the coding strand, the complement: ROGDI is on the minus strand). VCF-style: chr16-4801506-C-T. GRCh37 (hg19) VCF-style: chr16-4851507-C-T.
Other names: short protein forms C66Y.
Identifiers: ClinVar variation 530790 (VCV000530790.8), dbSNP rs1555491559, ClinGen allele CA394655075.
Genomic context (GRCh38, chr16:4,801,506, plus strand): 5'-ATGCCTCCTACCCCCCAAGGTACCCATTTCCCCGGTTTCCGCCTAGCCCAGGCTCACCCA[C>T]AGCTGCCTAGGATGAAGTTCTCTTGCTTGGCGGGCCCCTCAGTGCCGGAGCCCGGCAGAG-3'
Protein context (NP_078865.1, residues 56-76): AKQENFILGS[Cys66Tyr]GTDQVKGVLT

ClinVar aggregate classification (germline): Uncertain significance (1 of 4 stars; one submission).

Conditions:
Amelocerebrohypohidrotic syndrome (KTZS). Also called: EPILEPSY AND YELLOW TEETH; EPILEPSY, DEMENTIA, AND AMELOGENESIS IMPERFECTA; KOHLSCHUTTER SYNDROME; Kohlschutter's syndrome. Identifiers: Orphanet 1946, MedGen C0406740, MONDO:0009185, OMIM 226750.

Allele frequency attached by ClinVar (database versions not stated): TOPMed 0.00001; gnomAD exomes 0.00001.
gnomAD v4.1: 8 of 1,604,378 alleles (0.0005%); highest among the groups gnomAD compares: Non-Finnish European, 0.00068%; no homozygotes.

Submission:

Labcorp Genetics (formerly Invitae), Labcorp
Classification: Uncertain significance for Amelocerebrohypohidrotic syndrome. Last evaluated: 2018-01-04. Review status: criteria provided, single submitter. Criteria: Invitae Variant Classification Sherloc (09022015). Collection method: clinical testing. Allele origin: germline.
Comment: Algorithms developed to predict the effect of missense changes on protein structure and function (SIFT, PolyPhen-2, Align-GVGD) all suggest that this variant is likely to be tolerated, but these predictions have not been confirmed by published functional studies and their clinical significance is uncertain. This variant has not been reported in the literature in individuals with ROGDI-related disease. This variant is not present in population databases (ExAC no frequency). This sequence change replaces cysteine with tyrosine at codon 66 of the ROGDI protein (p.Cys66Tyr). The cysteine residue is weakly conserved and there is a large physicochemical difference between cysteine and tyrosine. In summary, the available evidence is currently insufficient to determine the role of this variant in disease. Therefore, it has been classified as a Variant of Uncertain Significance.